The following is an entry in ClinVar:

NM_005802.5(TOPORS):c.1365G>A (p.Thr455=)

Gene: TOPORS (TOP1 binding arginine/serine rich protein, E3 ubiquitin ligase; minus strand). Cytogenetic location: 9p21.1.
Variant type: single nucleotide variant.
Coding change: c.1365G>A on transcript NM_005802.5 (MANE Select); coding-DNA position 1365, G replaced by A.
Protein change: p.Thr455=; no amino-acid change (threonine 455 retained).
Molecular consequence: synonymous variant.
Genome position (GRCh38, 1-based): chr9:32,543,160, C>T on the plus strand (G>A on the coding strand, the complement: TOPORS is on the minus strand). VCF-style: chr9-32543160-C-T. GRCh37 (hg19) VCF-style: chr9-32543158-C-T.
Other names: c.1170G>A, p.Thr390= (NM_001195622.2).
Identifiers: ClinVar variation 440347 (VCV000440347.18), dbSNP rs780866628, ClinGen allele CA5020532.

ClinVar aggregate classification (germline): Benign/Likely benign. Review status: criteria provided, multiple submitters, no conflicts (2 of 4 stars). 4 submissions from 4 submitters: Benign (1); Likely benign (3). Last evaluated 2025-05-22.

Conditions:
TOPORS-related disorder. Also called: TOPORS-related condition.

Allele frequency attached by ClinVar (database versions not stated): gnomAD exomes below 0.00001 and 0.00001; ExAC 0.00002; gnomAD 0.00002; TOPMed 0.00002.
gnomAD v4.1: 14 of 1,613,898 alleles (0.00087%); highest among the groups gnomAD compares: Admixed American, 0.0033%; no homozygotes.

Submissions (4):

PreventionGenetics, part of Exact Sciences
Classification: Likely benign for TOPORS-related condition. Last evaluated: 2025-05-22. Review status: criteria provided, single submitter. Criteria: ACMG Guidelines, 2015. Collection method: clinical testing. Allele origin: germline.
Comment: This variant is classified as likely benign based on ACMG/AMP sequence variant interpretation guidelines (Richards et al. 2015 PMID: 25741868, with internal and published modifications).

Blueprint Genetics
Classification: Likely benign. Last evaluated: 2024-05-13. Review status: criteria provided, single submitter. Criteria: ACMG Guidelines, 2015. Collection method: clinical testing. Allele origin: germline.

Labcorp Genetics (formerly Invitae), Labcorp
Classification: Likely benign. Last evaluated: 2023-10-03. Review status: criteria provided, single submitter. Criteria: Invitae Variant Classification Sherloc (09022015). Collection method: clinical testing. Allele origin: germline.

ARUP Laboratories, Molecular Genetics and Genomics, ARUP Laboratories
Classification: Benign. Last evaluated: 2017-05-05. Review status: criteria provided, single submitter. Criteria: ARUP Molecular Germline Variant Investigation Process. Collection method: clinical testing. Allele origin: germline.